The following is an entry in ClinVar:

ClinVar aggregate classification (germline): Conflicting classifications of pathogenicity. Review status: criteria provided, conflicting classifications (1 of 4 stars). 2 submissions from 2 submitters: Uncertain significance (1); Likely benign (1). Last evaluated 2023-08-03.

Allele frequency attached by ClinVar (database versions not stated): gnomAD 0.00001; gnomAD exomes 0.00001; TOPMed 0.00001.
gnomAD v4.1: 19 of 1,613,844 alleles (0.0012%); highest among the groups gnomAD compares: South Asian, 0.0055%; no homozygotes.

Submissions (2):

Labcorp Genetics (formerly Invitae), Labcorp
Classification: Likely benign. Last evaluated: 2023-08-03. Review status: criteria provided, single submitter. Criteria: Invitae Variant Classification Sherloc (09022015). Collection method: clinical testing. Allele origin: germline.

GeneDx
Classification: Uncertain significance. Last evaluated: 2023-06-26. Review status: criteria provided, single submitter. Criteria: GeneDx Variant Classification Process June 2021. Collection method: clinical testing. Allele origin: germline. Affected: yes.
Comment: Not observed at significant frequency in large population cohorts (gnomAD); In silico analysis supports that this variant does not alter splicing; Has not been previously published as pathogenic or benign to our knowledge

NM_022124.6(CDH23):c.240G>A (p.Val80=)

Genes: CDH23-AS1 (CDH23 antisense RNA 1; minus strand), CDH23 (cadherin related 23; plus strand). Cytogenetic location: 10q22.1.
Variant type: single nucleotide variant.
Coding change: c.240G>A on transcript NM_022124.6 (MANE Select); coding-DNA position 240, G replaced by A.
Protein change: p.Val80=; no amino-acid change (valine 80 retained).
Molecular consequence: synonymous variant.
Genome position (GRCh38, 1-based): chr10:71,510,176, G>A. VCF-style: chr10-71510176-G-A. GRCh37 (hg19) VCF-style: chr10-73269933-G-A.
Other names: c.240G>A, p.Val80= (NM_001171930.2, NM_001171931.2, NM_001171932.2 and 1 more transcripts); c.240G>A (NM_022124.5).
Identifiers: ClinVar variation 2141921 (VCV002141921.5), dbSNP rs889241219, ClinGen allele CA209419933.